The following is an entry in ClinVar:

NM_144997.7(FLCN):c.802C>G (p.Arg268Gly)

Gene: FLCN (folliculin; minus strand). Cytogenetic location: 17p11.2.
Variant type: single nucleotide variant.
Coding change: c.802C>G on transcript NM_144997.7 (MANE Select); coding-DNA position 802, C replaced by G.
Protein change: p.Arg268Gly; replaces arginine 268 with glycine.
Molecular consequence: missense variant.
Genome position (GRCh38, 1-based): chr17:17,221,606, G>C on the plus strand (C>G on the coding strand, the complement: FLCN is on the minus strand). VCF-style: chr17-17221606-G-C. GRCh37 (hg19) VCF-style: chr17-17124920-G-C.
Other names: c.856C>G, p.Arg286Gly (NM_001353229.2); c.802C>G, p.Arg268Gly (NM_001353230.2, NM_001353231.2, NM_144606.7); short protein forms R268G, R286G.
Identifiers: ClinVar variation 3279021 (VCV003279021.1).

ClinVar aggregate classification (germline): Uncertain significance (1 of 4 stars; one submission).

Conditions:
Hereditary cancer-predisposing syndrome. Also called: Tumor predisposition; Hereditary Cancer Syndrome; Hereditary neoplastic syndrome; Neoplastic Syndromes, Hereditary. Identifiers: Orphanet 140162, MedGen C0027672, MeSH D009386, MONDO:0015356.

Submission:

Ambry Genetics
Classification: Uncertain significance for Hereditary cancer-predisposing syndrome. Last evaluated: 2024-04-04. Review status: criteria provided, single submitter. Criteria: Ambry Variant Classification Scheme 2023. Collection method: clinical testing. Allele origin: germline.
Comment: The p.R268G variant (also known as c.802C>G), located in coding exon 5 of the FLCN gene, results from a C to G substitution at nucleotide position 802. The arginine at codon 268 is replaced by glycine, an amino acid with dissimilar properties. This amino acid position is conserved. In addition, this alteration is predicted to be deleterious by in silico analysis. Based on the available evidence, the clinical significance of this variant remains unclear.